The following is an entry in ClinVar:

ClinVar aggregate classification (germline): Uncertain significance. Review status: criteria provided, multiple submitters, no conflicts (2 of 4 stars). 2 submissions from 2 submitters: Uncertain significance (2). Last evaluated 2024-04-24.

Conditions:
Familial isolated arrhythmogenic right ventricular dysplasia. Identifiers: Orphanet 217656, MedGen C4274968, MONDO:0016342.
Arrhythmogenic right ventricular dysplasia 11. Also called: ARRHYTHMOGENIC RIGHT VENTRICULAR DYSPLASIA, FAMILIAL, 11; Arrhythmogenic Right Ventricular Dysplasia/Cardiomyopathy11; Arrhythmogenic right ventricular dysplasia 11 with mild palmoplantar keratoderma and woolly hair. Identifiers: MedGen C1864850, MONDO:0012506, OMIM 610476.

Allele frequency attached by ClinVar (database versions not stated): gnomAD 0.00001.
gnomAD v4.1: 1 of 1,613,616 alleles (0.000062%); highest among the groups gnomAD compares: East Asian, 0.0022%; no homozygotes.

Submissions (2):

Labcorp Genetics (formerly Invitae), Labcorp
Classification: Uncertain significance for Arrhythmogenic right ventricular dysplasia 11. Last evaluated: 2024-04-24. Review status: criteria provided, single submitter. Criteria: Invitae Variant Classification Sherloc (09022015). Collection method: clinical testing. Allele origin: germline.
Comment: This sequence change creates a premature translational stop signal (p.Gln831*) in the DSC2 gene. While this is not anticipated to result in nonsense mediated decay, it is expected to disrupt the last 71 amino acid(s) of the DSC2 protein. This variant is present in population databases (no rsID available, gnomAD 0.06%). This variant has not been reported in the literature in individuals affected with DSC2-related conditions. Experimental studies and prediction algorithms are not available or were not evaluated, and the functional significance of this variant is currently unknown. This variant disrupts the C-terminus of the DSC2 protein. Other variant(s) that disrupt this region (p.Gly863Lysfs*13) have been observed in individuals with DSC2-related conditions (PMID: 31386562). This suggests that this may be a clinically significant region of the protein. In summary, the available evidence is currently insufficient to determine the role of this variant in disease. Therefore, it has been classified as a Variant of Uncertain Significance.

All of Us Research Program, National Institutes of Health
Classification: Uncertain significance for Familial isolated arrhythmogenic right ventricular dysplasia. Last evaluated: 2023-10-02. Review status: criteria provided, single submitter. Criteria: ACMG Guidelines, 2015. Collection method: clinical testing. Allele origin: germline. Inheritance: Autosomal dominant inheritance. Observed: 1 variant allele, 1 heterozygote.
Comment: This variant changes 1 nucleotide in exon 15 of the DSC2 gene, creating a premature translation stop signal. This variant is expected to escape nonsense-mediated decay and be expressed as a truncated protein product. To our knowledge, this variant has not been reported in individuals affected with DSC2-related disorders in the literature. This variant has been identified in 1/31388 chromosomes in the general population by the Genome Aggregation Database (gnomAD). The available evidence is insufficient to determine the role of this variant in disease conclusively. Therefore, this variant is classified as a Variant of Uncertain Significance.

This study involves interpretation of variants in research participants for the purpose of population health screening. Participant phenotype was not available at the time of variant classification. Additional details can be found in publication PMID: 35346344, PMCID: PMC8962531

Literature cited by the submitters: PubMed 31386562 (cited by Labcorp Genetics (formerly Invitae), Labcorp).

NM_024422.6(DSC2):c.2491C>T (p.Gln831Ter)

Gene: DSC2 (desmocollin 2; minus strand). Cytogenetic location: 18q12.1.
Variant type: single nucleotide variant.
Coding change: c.2491C>T on transcript NM_024422.6 (MANE Select); coding-DNA position 2491, C replaced by T.
Protein change: p.Gln831Ter; replaces glutamine 831 with a stop codon.
Molecular consequence: nonsense.
Genome position (GRCh38, 1-based): chr18:31,068,911, G>A on the plus strand (C>T on the coding strand, the complement: DSC2 is on the minus strand). VCF-style: chr18-31068911-G-A. GRCh37 (hg19) VCF-style: chr18-28648877-G-A.
Other names: c.2062C>T, p.Gln688Ter (NM_001406506.1, NM_001406507.1); c.2491C>T, p.Gln831Ter (NM_004949.5); short protein forms Q688*, Q831*.
Identifiers: ClinVar variation 3073569 (VCV003073569.3), dbSNP rs1200529847, ClinGen allele CA402111156.